The following is an entry in ClinVar:

NM_003995.4(NPR2):c.2713-2A>T

Genes: SPAG8 (sperm associated antigen 8; minus strand), NPR2 (natriuretic peptide receptor 2; plus strand). Cytogenetic location: 9p13.3.
Variant type: single nucleotide variant.
Coding change: c.2713-2A>T on transcript NM_003995.4 (MANE Select); the canonical splice acceptor site of the intron before coding-DNA position 2713, A replaced by T.
Molecular consequence: splice acceptor variant. On other transcripts: intron variant (2).
Genome position (GRCh38, 1-based): chr9:35,808,507, A>T. VCF-style: chr9-35808507-A-T. GRCh37 (hg19) VCF-style: chr9-35808504-A-T.
Other names: c.2722-2A>T (NM_001378923.1); c.1201-201T>A (NM_001366760.2); c.1373-201T>A (NM_172312.2).
Identifiers: ClinVar variation 579260 (VCV000579260.8), dbSNP rs1563993649, ClinGen allele CA373384662.

ClinVar aggregate classification (germline): Likely pathogenic (1 of 4 stars; one submission).

Conditions:
Acromesomelic dysplasia 1, Maroteaux type (AMD1). Also called: ST. HELENA DYSPLASIA; ACROMESOMELIC DYSPLASIA 1. Identifiers: Orphanet 40, MedGen C1864356, MONDO:0011275, OMIM 602875.
Tall stature-scoliosis-macrodactyly of the great toes syndrome. Also called: Epiphyseal chondrodysplasia, miura type. Identifiers: Orphanet 329191, MedGen C4014690, MONDO:0014401, OMIM 615923.

Submission:

Labcorp Genetics (formerly Invitae), Labcorp
Classification: Likely pathogenic for Tall stature-scoliosis-macrodactyly of the great toes syndrome; Acromesomelic dysplasia 1, Maroteaux type. Last evaluated: 2021-11-02. Review status: criteria provided, single submitter. Criteria: Invitae Variant Classification Sherloc (09022015). Collection method: clinical testing. Allele origin: germline.
Comment: This sequence change affects an acceptor splice site in intron 18 of the NPR2 gene. It is expected to disrupt RNA splicing. Variants that disrupt the donor or acceptor splice site typically lead to a loss of protein function (PMID: 16199547), and loss-of-function variants in NPR2 are known to be pathogenic (PMID: 15146390, 15572448, 16384845). This variant is not present in population databases (gnomAD no frequency). This variant has not been reported in the literature in individuals affected with NPR2-related conditions. ClinVar contains an entry for this variant (Variation ID: 579260). Algorithms developed to predict the effect of sequence changes on RNA splicing suggest that this variant may disrupt the consensus splice site. In summary, the currently available evidence indicates that the variant is pathogenic, but additional data are needed to prove that conclusively. Therefore, this variant has been classified as Likely Pathogenic.

Literature cited by the submitters: PubMed 16199547; PubMed 15146390; PubMed 15572448; PubMed 16384845.